The following is an entry in ClinVar:

NM_001358530.2(MOCS1):c.359A>G (p.Asp120Gly)

Gene: MOCS1 (molybdenum cofactor synthesis 1; minus strand). Cytogenetic location: 6p21.2.
Variant type: single nucleotide variant.
Coding change: c.359A>G on transcript NM_001358530.2 (MANE Select); coding-DNA position 359, A replaced by G.
Protein change: p.Asp120Gly; replaces aspartic acid 120 with glycine.
Molecular consequence: missense variant. On other transcripts: non-coding transcript variant (1).
Genome position (GRCh38, 1-based): chr6:39,925,737, T>C on the plus strand (A>G on the coding strand, the complement: MOCS1 is on the minus strand). VCF-style: chr6-39925737-T-C. GRCh37 (hg19) VCF-style: chr6-39893481-T-C.
Other names: c.359A>G, p.Asp120Gly (NM_001075098.4, NM_001358529.2, NM_005943.6); c.98A>G, p.Asp33Gly (NM_001358531.2, NM_001358533.2, NM_001358534.2); short protein forms D33G, D120G.
Identifiers: ClinVar variation 1385599 (VCV001385599.6), dbSNP rs773683592, ClinGen allele CA3796330.

ClinVar aggregate classification (germline): Uncertain significance (1 of 4 stars; one submission).

Conditions:
Sulfite oxidase deficiency due to molybdenum cofactor deficiency type A. Also called: Molybdenum Cofactor Deficiency A; Molybdenum cofactor deficiency, complementation group A. Identifiers: Orphanet 308386, Orphanet 833, MedGen C1854988, MONDO:0009643, OMIM 252150.

Allele frequency attached by ClinVar (database versions not stated): gnomAD exomes below 0.00001; ExAC 0.00001.
gnomAD v4.1: 1 of 1,612,834 alleles (0.000062%); highest among the groups gnomAD compares: South Asian, 0.0011%; no homozygotes.

Submission:

Labcorp Genetics (formerly Invitae), Labcorp
Classification: Uncertain significance for Sulfite oxidase deficiency due to molybdenum cofactor deficiency type A. Last evaluated: 2021-12-20. Review status: criteria provided, single submitter. Criteria: Invitae Variant Classification Sherloc (09022015). Collection method: clinical testing. Allele origin: germline.
Comment: This variant has not been reported in the literature in individuals affected with MOCS1-related conditions. In summary, the available evidence is currently insufficient to determine the role of this variant in disease. Therefore, it has been classified as a Variant of Uncertain Significance. Algorithms developed to predict the effect of missense changes on protein structure and function are either unavailable or do not agree on the potential impact of this missense change (SIFT: "Not Available"; PolyPhen-2: "Benign"; Align-GVGD: "Not Available"). This variant is not present in population databases (gnomAD no frequency). This sequence change replaces aspartic acid, which is acidic and polar, with glycine, which is neutral and non-polar, at codon 120 of the MOCS1 protein (p.Asp120Gly).